The following is an entry in ClinVar:

NM_001130438.3(SPTAN1):c.2491G>A (p.Ala831Thr)

Gene: SPTAN1 (spectrin alpha, non-erythrocytic 1; plus strand). Cytogenetic location: 9q34.11.
Variant type: single nucleotide variant.
Coding change: c.2491G>A on transcript NM_001130438.3 (MANE Select); coding-DNA position 2491, G replaced by A.
Protein change: p.Ala831Thr; replaces alanine 831 with threonine.
Molecular consequence: missense variant.
Genome position (GRCh38, 1-based): chr9:128,584,774, G>A. VCF-style: chr9-128584774-G-A. GRCh37 (hg19) VCF-style: chr9-131347053-G-A.
Other names: c.2491G>A, p.Ala831Thr (NM_001375310.1, NM_001375311.2, NM_001375313.1 and 5 more transcripts); c.2527G>A, p.Ala843Thr (NM_001375312.2, NM_001375318.1); short protein forms A831T, A843T.
Identifiers: ClinVar variation 2659541 (VCV002659541.24), dbSNP rs2541211715, ClinGen allele CA375057871.

ClinVar aggregate classification (germline): Uncertain significance (1 of 4 stars; one submission).

Submission:

CeGaT Center for Human Genetics Tuebingen
Classification: Uncertain significance. Last evaluated: 2023-10-01. Review status: criteria provided, single submitter. Criteria: CeGaT Center For Human Genetics Tuebingen Variant Classification Criteria Version 2. Collection method: clinical testing. Allele origin: germline. Affected: yes. Observed: 1 variant allele.
Comment: SPTAN1: PM2